The following is an entry in ClinVar:

NM_001371623.1(TCOF1):c.1308C>G (p.Val436=)

Gene: TCOF1 (treacle ribosome biogenesis factor 1; plus strand). Cytogenetic location: 5q32.
Variant type: single nucleotide variant.
Coding change: c.1308C>G on transcript NM_001371623.1 (MANE Select); coding-DNA position 1308, C replaced by G.
Protein change: p.Val436=; no amino-acid change (valine 436 retained).
Molecular consequence: synonymous variant.
Genome position (GRCh38, 1-based): chr5:150,374,983, C>G. VCF-style: chr5-150374983-C-G. GRCh37 (hg19) VCF-style: chr5-149754546-C-G.
Other names: c.1077C>G, p.Val359= (NM_000356.4, NM_001135245.2); c.1308C>G, p.Val436= (NM_001008657.3, NM_001135243.2, NM_001135244.2 and 1 more transcripts); c.1308C>G (NM_001135243.1).
Identifiers: ClinVar variation 1563211 (VCV001563211.9), dbSNP rs1168279343, ClinGen allele CA447407744.

ClinVar aggregate classification (germline): Conflicting classifications of pathogenicity. Review status: criteria provided, conflicting classifications (1 of 4 stars). 2 submissions from 2 submitters: Uncertain significance (1); Likely benign (1). Last evaluated 2026-07-07.

Conditions:
TCOF1-related disorder. Also called: TCOF1-related condition.
Treacher Collins syndrome 1 (TCS1). Also called: TCOF1-Related Treacher Collins Syndrome. Identifiers: Orphanet 861, MedGen CN315775, MONDO:0007944, OMIM 154500.

Allele frequency attached by ClinVar (database versions not stated): TOPMed below 0.00001; gnomAD 0.00001; gnomAD exomes 0.00002.
gnomAD v4.1: 25 of 1,613,574 alleles (0.0015%); highest among the groups gnomAD compares: Non-Finnish European, 0.0021%; no homozygotes.

Submissions (2):

PreventionGenetics, part of Exact Sciences
Classification: Uncertain significance for TCOF1-related condition. Last evaluated: 2026-07-07. Review status: criteria provided, single submitter. Criteria: ACMG Guidelines, 2015. Collection method: clinical testing. Allele origin: germline.
Comment: The TCOF1 c.1308C>G variant is not predicted to result in an amino acid change (p.=). This variant is predicted to alter splicing based on available splicing prediction software (SpliceAI, Jaganathan et al. 2019. PubMed ID: 30661751). However, the use of computer prediction software is not equivalent to functional evidence. To our knowledge, this variant has not been reported in the literature. This variant is reported in 0.0065% of alleles in individuals of European (Non-Finnish) descent in gnomAD. At this time, the clinical significance of this variant is uncertain due to the absence of conclusive functional and genetic evidence.

Labcorp Genetics (formerly Invitae), Labcorp
Classification: Likely benign for Treacher Collins syndrome 1. Last evaluated: 2025-04-17. Review status: criteria provided, single submitter. Criteria: Invitae Variant Classification Sherloc (09022015). Collection method: clinical testing. Allele origin: germline.